The following is an entry in ClinVar:

ClinVar aggregate classification (germline): Likely benign. Review status: criteria provided, multiple submitters, no conflicts (2 of 4 stars). 2 submissions from 2 submitters: Likely benign (2). Last evaluated 2024-12-01.

Conditions:
FMN2-related disorder. Also called: FMN2-related condition.

Allele frequency attached by ClinVar (database versions not stated): gnomAD 0.00010.

Submissions (2):

CeGaT Center for Human Genetics Tuebingen
Classification: Likely benign. Last evaluated: 2024-12-01. Review status: criteria provided, single submitter. Criteria: CeGaT Center For Human Genetics Tuebingen Variant Classification Criteria Version 2. Collection method: clinical testing. Allele origin: germline. Affected: yes. Observed: 40 variant alleles.
Comment: FMN2: BP4, BP7

PreventionGenetics, part of Exact Sciences
Classification: Likely benign for FMN2-related condition. Last evaluated: 2020-12-28. Review status: criteria provided, single submitter. Criteria: ACMG Guidelines, 2015. Collection method: clinical testing. Allele origin: germline.
Comment: This variant is classified as likely benign based on ACMG/AMP sequence variant interpretation guidelines (Richards et al. 2015 PMID: 25741868, with internal and published modifications).

NM_020066.5(FMN2):c.3132G>T (p.Pro1044=)

Gene: FMN2 (formin 2; plus strand). Cytogenetic location: 1q43.
Variant type: single nucleotide variant.
Coding change: c.3132G>T on transcript NM_020066.5 (MANE Select); coding-DNA position 3132, G replaced by T.
Protein change: p.Pro1044=; no amino-acid change (proline 1044 retained).
Molecular consequence: synonymous variant. On other transcripts: intron variant (1).
Genome position (GRCh38, 1-based): chr1:240,207,944, G>T. VCF-style: chr1-240207944-G-T. GRCh37 (hg19) VCF-style: chr1-240371244-G-T.
Other names: c.3144G>T, p.Pro1048= (NM_001305424.2); c.1986+19682G>T (NM_001348094.2); c.3132G>T (NM_020066.4).
Identifiers: ClinVar variation 2570758 (VCV002570758.28), dbSNP rs200328010, ClinGen allele CA1477011.